The following is an entry in ClinVar:

NM_001042492.3(NF1):c.5725G>A (p.Val1909Ile)

Gene: NF1 (neurofibromin 1; plus strand). Cytogenetic location: 17q11.2.
Variant type: single nucleotide variant.
Coding change: c.5725G>A on transcript NM_001042492.3 (MANE Select); coding-DNA position 5725, G replaced by A.
Protein change: p.Val1909Ile; replaces valine 1909 with isoleucine.
Molecular consequence: missense variant.
Genome position (GRCh38, 1-based): chr17:31,330,411, G>A. VCF-style: chr17-31330411-G-A. GRCh37 (hg19) VCF-style: chr17-29657429-G-A.
Other names: c.5662G>A, p.Val1888Ile (NM_000267.4); short protein forms V1888I, V1909I.
Identifiers: ClinVar variation 1748931 (VCV001748931.4), dbSNP rs2151544743, ClinGen allele CA399010339.

ClinVar aggregate classification (germline): Uncertain significance. Review status: criteria provided, multiple submitters, no conflicts (2 of 4 stars). 2 submissions from 2 submitters: Uncertain significance (2). Last evaluated 2024-11-19.

Conditions:
Neurofibromatosis, type 1 (NF1). Also called: VON RECKLINGHAUSEN DISEASE; NEUROFIBROMATOSIS, TYPE I, SOMATIC; Neurofibromatosis, type I; Peripheral type neurofibromatosis. Identifiers: Orphanet 636, MedGen C0027831, MONDO:0018975, OMIM 162200. Disease mechanism: loss of function.
Cardiovascular phenotype. Identifiers: MedGen CN230736.
Hereditary cancer-predisposing syndrome. Also called: Neoplastic Syndromes, Hereditary; Tumor predisposition; Hereditary Cancer Syndrome; Hereditary neoplastic syndrome. Identifiers: Orphanet 140162, MedGen C0027672, MeSH D009386, MONDO:0015356.

Submissions (2):

Labcorp Genetics (formerly Invitae), Labcorp
Classification: Uncertain significance for Neurofibromatosis, type 1. Last evaluated: 2024-11-19. Review status: criteria provided, single submitter. Criteria: Invitae Variant Classification Sherloc (09022015). Collection method: clinical testing. Allele origin: germline.
Comment: This sequence change replaces valine, which is neutral and non-polar, with isoleucine, which is neutral and non-polar, at codon 1888 of the NF1 protein (p.Val1888Ile). This variant is not present in population databases (gnomAD no frequency). This variant has not been reported in the literature in individuals affected with NF1-related conditions. ClinVar contains an entry for this variant (Variation ID: 1748931). Invitae Evidence Modeling of protein sequence and biophysical properties (such as structural, functional, and spatial information, amino acid conservation, physicochemical variation, residue mobility, and thermodynamic stability) has been performed for this missense variant. However, the output from this modeling did not meet the statistical confidence thresholds required to predict the impact of this variant on NF1 protein function. In summary, the available evidence is currently insufficient to determine the role of this variant in disease. Therefore, it has been classified as a Variant of Uncertain Significance.

Ambry Genetics
Classification: Uncertain significance for Cardiovascular phenotype; Hereditary cancer-predisposing syndrome. Last evaluated: 2022-07-10. Review status: criteria provided, single submitter. Criteria: Ambry Variant Classification Scheme 2023. Collection method: clinical testing. Allele origin: germline.
Comment: The p.V1888I variant (also known as c.5662G>A), located in coding exon 38 of the NF1 gene, results from a G to A substitution at nucleotide position 5662. The valine at codon 1888 is replaced by isoleucine, an amino acid with highly similar properties. This amino acid position is conserved. In addition, the in silico prediction for this alteration is inconclusive. Since supporting evidence is limited at this time, the clinical significance of this alteration remains unclear.